The following is an entry in ClinVar:

NC_012920.1(MT-TL1):m.3291T>C

Genes: MT-ND1 (mitochondrially encoded NADH dehydrogenase 1; plus strand), MT-TL1 (mitochondrially encoded tRNA leucine 1 (UUA/G); plus strand).
Variant type: single nucleotide variant.
Genome position: chrM-3291-T-C.
Identifiers: ClinVar variation 223247 (VCV000223247.11), dbSNP rs869312463, ClinGen allele CA337096487.

ClinVar aggregate classification (germline): Likely pathogenic. Review status: reviewed by expert panel (3 of 4 stars). 8 submissions from 8 submitters: Likely pathogenic (1). 7 of the submissions do not count toward it. Last evaluated 2022-10-03.

Conditions:
Primary Mitochondrial Disorders. Identifiers: MedGen CN381104.
Mitochondrial disease. Also called: Mitochondrial disorder; Mitochondrial disorders. Identifiers: Orphanet 68380, MedGen C0751651, MeSH D028361, MONDO:0044970.
MELAS syndrome (MELAS). Also called: Juvenile myopathy, encephalopathy, lactic acidosis, stroke. Identifiers: Orphanet 550, MedGen C0162671, MONDO:0010789, OMIM 540000.

Submissions (8):

ClinGen Mitochondrial Disease Nuclear and Mitochondrial  Variant Curation Expert Panel, ClinGen
Classification: Likely pathogenic for Mitochondrial disease. Last evaluated: 2022-10-03. Review status: reviewed by expert panel. Criteria: clingen mito disease acmg specifications v1-1. Collection method: curation. Allele origin: germline. Inheritance: Mitochondrial inheritance.
Comment: The m.3291T>C variant in MT-TL1 has been reported in at least eight unrelated individuals with primary mitochondrial disease. Ages of onset varied from 6- to 40-years old. Affected individuals had variable features including those consistent with MELAS (Mitochondrial Encephalopathy, Lactic Acidosis, and Stroke-like episodes) as well as myopathy, sensorineural hearing loss, and cognitive decline. Muscle biopsies in affected individuals showed ragged red fibers (RRF), whereas respiratory chain enzyme deficiencies were variable. Heteroplasmy levels ranged from 20-95% (PS4_moderate; PMIDs: 7520241, 10899447, 18977334, 20943236, 21996807, 21863273, 23273904). There are at least two de novo occurrences of this variant reported (PM6_moderate; PMIDs: 20943236, 7520241). Heteroplasmy levels tracked with disease manifestations in at least three families (PP1_moderate; PMIDs: 23273904, 21863273, 10899447). This variant is absent in the GenBank dataset, Helix dataset, and gnomAD v3.1.2 (PM2_supporting). The computational predictor MitoTIP suggests this variant is pathogenic and HmtVAR predicts it to be pathogenic score of 1 (PP3). Single fiber testing showed greater abundance of mutant genomes in COX-deficient (89.1± 9.9%, n=18) than in COX-positive fibers (51.1±27.1%, n=17; P < 0.001; PS3_supporting, PMID: 23273904). In summary, this variant meets criteria to be classified as likely pathogenic for primary mitochondrial disease inherited in a mitochondrial manner. This classification was approved by the NICHD/NINDS U24 ClinGen Mitochondrial Disease Variant Curation Expert Panel on October 3, 2022. Mitochondrial DNA-specific ACMG/AMP criteria applied: PS4_moderate, PM6_moderate, PP1_moderate, PM2_supporting, PP3, PS3_supporting.

Variantyx, Inc.
Classification: Likely pathogenic for Primary mitochondrial disorders. Last evaluated: 2025-10-22. Review status: criteria provided, single submitter. Criteria: Variantyx Assertion Criteria 2022. Collection method: clinical testing. Allele origin: germline. Affected: yes. Not counted in ClinVar's aggregate classification.
Comment: The m.3291T>C change is a variant in the MT-TL1 gene which encodes the mitochondrial transfer RNA for leucine. Pathogenic variants in this gene have been associated with primary mitochondrial disorders. This variant has been reported in at least 9 unrelated affected individual(s) (PMID: 7520241, 15870203, 18977334, 20943236, 21863273, 23273904, 24338029) (PS4_Moderate). This variant has been observed to segregate with disease in at least four individuals from two families, but unaffected family members may have lower to undetectable levels of the variant (PMID: 21863273, 23273904) (PP1). Computational algorithms support a deleterious effect on the gene or gene product (Aggregate Predicted Severity Score: 0.67) (PP3). This variant is absent from control populations (PM2). Other reputable laboratories have reported this variant as pathogenic or likely pathogenic, and this classification has been validated by an expert panel in ClinVar (PP5). Based on the current evidence, this variant is classified as likely pathogenic for primary mitochondrial disorders.

3billion
Classification: Likely pathogenic for MELAS syndrome. Last evaluated: 2025-04-22. Review status: criteria provided, single submitter. Criteria: ACMG Guidelines, 2015. Collection method: clinical testing. Allele origin: germline. Affected: yes. Not counted in ClinVar's aggregate classification.

Laboratory of Prof. Karen Avraham, Tel Aviv University
Classification: Pathogenic for MELAS syndrome. Last evaluated: 2024-05-30. Review status: criteria provided, single submitter. Criteria: ACMG Guidelines, 2015. Collection method: research. Allele origin: germline. Affected: yes. Observed: 1 variant allele. Not counted in ClinVar's aggregate classification.
Comment: Pathogenic according to ClinVar based on PMID: 23273904, 20301411

Reported previously in MELAS or NSHL, high-tone normal - severe audiogram

Clinical Genetics Laboratory, Skane University Hospital Lund
Classification: Pathogenic. Last evaluated: 2022-12-06. Review status: criteria provided, single submitter. Criteria: ACMG Guidelines, 2015. Collection method: clinical testing. Allele origin: germline. Affected: yes. Not counted in ClinVar's aggregate classification.

Mendelics
Classification: Pathogenic for MELAS syndrome. Last evaluated: 2022-05-04. Review status: criteria provided, single submitter. Criteria: Mendelics Assertion Criteria 2019. Collection method: clinical testing. Allele origin: germline. Not counted in ClinVar's aggregate classification.

Wong Mito Lab, Molecular and Human Genetics, Baylor College of Medicine
Classification: Pathogenic for MELAS syndrome. Last evaluated: 2019-07-12. Review status: criteria provided, single submitter. Criteria: Modified ACMG Guidelines (Unpublished). Collection method: clinical testing. Allele origin: germline. Not counted in ClinVar's aggregate classification.
Comment: The NC_012920.1:m.3291T>C variant in MT-TL1 gene is interpreted to be a Pathogenic variant based on the modified ACMG guidelines (unpublished). This variant meets the following evidence codes reported in the guidelines: PS3, PS5

GeneReviews
No classification provided. Condition: MELAS syndrome. Review status: no classification provided. Collection method: literature only. Allele origin: maternal. Not counted in ClinVar's aggregate classification.

Literature cited by the submitters: PubMed 23273904 (cited by ClinGen Mitochondrial Disease Nuclear and Mitochondrial  Variant Curation Expert Panel, ClinGen); PubMed 31965079 (cited by Wong Mito Lab, Molecular and Human Genetics, Baylor College of Medicine); PubMed 7520241 (cited by Wong Mito Lab, Molecular and Human Genetics, Baylor College of Medicine and GeneReviews).